The following is an entry in ClinVar:

ClinVar aggregate classification (germline): Benign/Likely benign. Review status: criteria provided, multiple submitters, no conflicts (2 of 4 stars). 4 submissions from 4 submitters: Benign (1); Likely benign (3). Last evaluated 2026-03-17.

Conditions:
ZSWIM6-related disorder. Also called: ZSWIM6-related condition.

Allele frequency attached by ClinVar (database versions not stated): 1000 Genomes Project 0.00160; 1000 Genomes Project 30x 0.00219; ExAC 0.00280; TOPMed 0.00312; gnomAD 0.00327 and 0.00333; gnomAD exomes 0.00328 and 0.00519.
gnomAD v4.1: 6,516 of 1,319,642 alleles (0.49%); highest among the groups gnomAD compares: Non-Finnish European, 0.59%; 28 homozygotes.

Submissions (4):

PreventionGenetics, part of Exact Sciences
Classification: Likely benign for ZSWIM6-related condition. Last evaluated: 2026-03-17. Review status: criteria provided, single submitter. Criteria: ACMG Guidelines, 2015. Collection method: clinical testing. Allele origin: germline.
Comment: This variant is classified as likely benign based on ACMG/AMP sequence variant interpretation guidelines (Richards et al. 2015 PMID: 25741868, with internal and published modifications).

Labcorp Genetics (formerly Invitae), Labcorp
Classification: Benign. Last evaluated: 2025-12-07. Review status: criteria provided, single submitter. Criteria: Invitae Variant Classification Sherloc (09022015). Collection method: clinical testing. Allele origin: germline.

CeGaT Center for Human Genetics Tuebingen
Classification: Likely benign. Last evaluated: 2025-11-01. Review status: criteria provided, single submitter. Criteria: CeGaT Center For Human Genetics Tuebingen Variant Classification Criteria Version 2. Collection method: clinical testing. Allele origin: germline. Affected: yes. Observed: 23 variant alleles.
Comment: ZSWIM6: BP4, BP7, BS2

Blueprint Genetics
Classification: Likely benign. Last evaluated: 2024-11-21. Review status: criteria provided, single submitter. Criteria: ACMG Guidelines, 2015. Collection method: clinical testing. Allele origin: germline.

NM_020928.2(ZSWIM6):c.243G>T (p.Ala81=)

Gene: ZSWIM6 (zinc finger SWIM-type containing 6; plus strand). Cytogenetic location: 5q12.1.
Variant type: single nucleotide variant.
Coding change: c.243G>T on transcript NM_020928.2 (MANE Select); coding-DNA position 243, G replaced by T.
Protein change: p.Ala81=; no amino-acid change (alanine 81 retained).
Molecular consequence: synonymous variant.
Genome position (GRCh38, 1-based): chr5:61,332,515, G>T. VCF-style: chr5-61332515-G-T. GRCh37 (hg19) VCF-style: chr5-60628342-G-T.
Other names: c.243G>T (NM_020928.1).
Identifiers: ClinVar variation 1592340 (VCV001592340.37), dbSNP rs553592342, ClinGen allele CA3278282.